The following is an entry in ClinVar:

Conditions:
Breast-ovarian cancer, familial, susceptibility to, 1 (BROVCA1). Also called: BRCA1 Hereditary Breast and Ovarian Cancer; OVARIAN CANCER, SUSCEPTIBILITY TO. Identifiers: Orphanet 145, MedGen C2676676, MONDO:0011450, OMIM 604370. Disease mechanism: loss of function.

Submission:

Brotman Baty Institute, University of Washington
No classification provided (evidence only). Condition: Breast-ovarian cancer, familial 1. Review status: no classification provided. Collection method: in vitro. Allele origin: not applicable. Functional consequence: functionally_normal.
ClinVar note: "not provided" was previously submitted as the classification for the variant. However, the classification appeared to be based only on an observation of functional data so it was converted to no classification on 2025-07-30.

NM_007294.4(BRCA1):c.5467+8G>C

Gene: BRCA1 (BRCA1 DNA repair associated; minus strand). Cytogenetic location: 17q21.31.
Variant type: single nucleotide variant.
Coding change: c.5467+8G>C on transcript NM_007294.4 (MANE Select); 8 bases into the intron after coding-DNA position 5467, G replaced by C.
Molecular consequence: intron variant.
Genome position (GRCh38, 1-based): chr17:43,047,635, C>G on the plus strand (G>C on the coding strand, the complement: BRCA1 is on the minus strand). VCF-style: chr17-43047635-C-G. GRCh37 (hg19) VCF-style: chr17-41199652-C-G.
Other names: c.5134+8G>C (NM_001407946.1, NM_001407948.1, NM_001407947.1 and 1 more transcripts); c.1945+8G>C (NM_001408489.1, NM_001408482.1, NM_001408484.1 and 5 more transcripts); c.1948+8G>C (NM_001408479.1, NM_001408478.1, NM_001408480.1); c.5254+8G>C (NM_001407910.1, NM_001407904.1, NM_001407896.1 and 12 more transcripts); c.5257+8G>C (NM_001407884.1, NM_001407879.1, NM_001407882.1 and 5 more transcripts); c.5455+8G>C (NM_001407646.1); c.2029+8G>C (NM_001408445.1, NM_001408450.1, NM_001408447.1 and 2 more transcripts); c.2032+8G>C (NM_001408432.1, NM_001408443.1, NM_001408439.1 and 10 more transcripts); and 83 more.
Identifiers: ClinVar variation 868532 (VCV000868532.3), dbSNP rs80358062, ClinGen allele CA916080761.